The following is an entry in ClinVar:

ClinVar aggregate classification (germline): Uncertain significance (1 of 4 stars; one submission).

Conditions:
Primary ciliary dyskinesia 33. Also called: CILIARY DYSKINESIA, PRIMARY, 33, WITHOUT SITUS INVERSUS. Identifiers: Orphanet 244, MedGen C4225230, MONDO:0014750, OMIM 616726.

gnomAD v4.1: 3 of 1,612,590 alleles (0.00019%); highest among the groups gnomAD compares: Non-Finnish European, 0.00025%; no homozygotes.

Submission:

Labcorp Genetics (formerly Invitae), Labcorp
Classification: Uncertain significance for Primary ciliary dyskinesia 33. Last evaluated: 2019-02-02. Review status: criteria provided, single submitter. Criteria: Invitae Variant Classification Sherloc (09022015). Collection method: clinical testing. Allele origin: germline.
Comment: In summary, the available evidence is currently insufficient to determine the role of this variant in disease. Therefore, it has been classified as a Variant of Uncertain Significance. Algorithms developed to predict the effect of missense changes on protein structure and function are either unavailable or do not agree on the potential impact of this missense change (SIFT: "Tolerated"; PolyPhen-2: "Possibly Damaging"; Align-GVGD: "Class C0"). This variant has not been reported in the literature in individuals with GAS8-related conditions. This variant is not present in population databases (ExAC no frequency). This sequence change replaces aspartic acid with glutamic acid at codon 303 of the GAS8 protein (p.Asp303Glu). The aspartic acid residue is highly conserved and there is a small physicochemical difference between aspartic acid and glutamic acid.

NM_001481.3(GAS8):c.909C>A (p.Asp303Glu)

Gene: GAS8 (growth arrest specific 8; plus strand). Cytogenetic location: 16q24.3.
Variant type: single nucleotide variant.
Coding change: c.909C>A on transcript NM_001481.3 (MANE Select); coding-DNA position 909, C replaced by A.
Protein change: p.Asp303Glu; replaces aspartic acid 303 with glutamic acid.
Molecular consequence: missense variant.
Genome position (GRCh38, 1-based): chr16:90,037,384, C>A. VCF-style: chr16-90037384-C-A. GRCh37 (hg19) VCF-style: chr16-90103792-C-A.
Other names: c.660C>A, p.Asp220Glu (NM_001286205.2); c.333C>A, p.Asp111Glu (NM_001286208.2); c.834C>A, p.Asp278Glu (NM_001286209.2); short protein forms D278E, D303E, D111E, D220E.
Identifiers: ClinVar variation 848368 (VCV000848368.8), dbSNP rs2036932810, ClinGen allele CA397468070.